The following is an entry in ClinVar:

ClinVar aggregate classification (germline): Uncertain significance. Review status: criteria provided, single submitter (1 of 4 stars). 2 submissions from 2 submitters: Uncertain significance (1). 1 of the submissions does not count toward it. Last evaluated 2024-08-15.

Conditions:
TENM4-related disorder. Also called: TENM4-related condition.

Allele frequency attached by ClinVar (database versions not stated): gnomAD exomes 0.00002; TOPMed 0.00002; gnomAD 0.00003.
gnomAD v4.1: 33 of 1,541,348 alleles (0.0021%); highest among the groups gnomAD compares: African/African-American, 0.0096%; no homozygotes.

Submissions (2):

Ambry Genetics
Classification: Uncertain significance. Last evaluated: 2024-08-15. Review status: criteria provided, single submitter. Criteria: Ambry Variant Classification Scheme 2023. Collection method: clinical testing. Allele origin: germline.

PreventionGenetics, part of Exact Sciences
Classification: Uncertain significance for TENM4-related condition. Last evaluated: 2024-01-27. Review status: no assertion criteria provided. Collection method: clinical testing. Allele origin: germline. Not counted in ClinVar's aggregate classification.
Comment: The TENM4 c.1523G>A variant is predicted to result in the amino acid substitution p.Arg508Gln. To our knowledge, this variant has not been reported in the literature. This variant is reported in 0.018% of alleles in individuals of African descent in gnomAD. At this time, the clinical significance of this variant is uncertain due to the absence of conclusive functional and genetic evidence.

NM_001098816.3(TENM4):c.1523G>A (p.Arg508Gln)

Gene: TENM4 (teneurin transmembrane protein 4; minus strand). Cytogenetic location: 11q14.1.
Variant type: single nucleotide variant.
Coding change: c.1523G>A on transcript NM_001098816.3 (MANE Select); coding-DNA position 1523, G replaced by A.
Protein change: p.Arg508Gln; replaces arginine 508 with glutamine.
Molecular consequence: missense variant.
Genome position (GRCh38, 1-based): chr11:78,854,262, C>T on the plus strand (G>A on the coding strand, the complement: TENM4 is on the minus strand). VCF-style: chr11-78854262-C-T. GRCh37 (hg19) VCF-style: chr11-78565307-C-T.
Other names: short protein forms R508Q.
Identifiers: ClinVar variation 3030471 (VCV003030471.3), dbSNP rs1183136961, ClinGen allele CA382181254.